The following is an entry in ClinVar:

ClinVar aggregate classification (germline): Uncertain significance. Review status: criteria provided, multiple submitters, no conflicts (2 of 4 stars). 4 submissions from 4 submitters: Uncertain significance (3). 1 of the submissions does not count toward it. Last evaluated 2024-07-02.

Conditions:
Familial dysautonomia. Also called: HSAN III; FD. Identifiers: Orphanet 1764, MedGen C0013364, MONDO:0009131, OMIM 223900. Disease mechanism: loss of function.
Medulloblastoma (MDB). Also called: Medulloblastoma, somatic; MEDULLOBLASTOMA PREDISPOSITION SYNDROME. Identifiers: Orphanet 616, MedGen C0025149, MeSH D008527, MONDO:0007959, OMIM 155255, HP:0002885.

Allele frequency attached by ClinVar (database versions not stated): TOPMed below 0.00001; gnomAD exomes 0.00003 and 0.00007; ExAC 0.00006.
gnomAD v4.1: 40 of 1,610,732 alleles (0.0025%); highest among the groups gnomAD compares: South Asian, 0.043%; no homozygotes.

Submissions (4):

Ambry Genetics
Classification: Uncertain significance. Last evaluated: 2024-07-02. Review status: criteria provided, single submitter. Criteria: Ambry Variant Classification Scheme 2023. Collection method: clinical testing. Allele origin: germline.

Fulgent Genetics
Classification: Uncertain significance for Medulloblastoma; Familial dysautonomia. Last evaluated: 2022-04-19. Review status: criteria provided, single submitter. Criteria: ACMG Guidelines, 2015. Collection method: clinical testing. Allele origin: unknown.

Labcorp Genetics (formerly Invitae), Labcorp
Classification: Uncertain significance. Last evaluated: 2018-07-24. Review status: criteria provided, single submitter. Criteria: Invitae Variant Classification Sherloc (09022015). Collection method: clinical testing. Allele origin: germline.
Comment: This sequence change replaces glycine with serine at codon 1152 of the IKBKAP protein (p.Gly1152Ser). The glycine residue is weakly conserved and there is a small physicochemical difference between glycine and serine. This variant is present in population databases (rs771838754, ExAC 0.04%). This variant has not been reported in the literature in individuals with IKBKAP-related disease. Algorithms developed to predict the effect of missense changes on protein structure and function (SIFT, PolyPhen-2, Align-GVGD) all suggest that this variant is likely to be tolerated, but these predictions have not been confirmed by published functional studies and their clinical significance is uncertain. In summary, the available evidence is currently insufficient to determine the role of this variant in disease. Therefore, it has been classified as a Variant of Uncertain Significance.

Natera, Inc.
Classification: Uncertain significance for Hereditary sensory and autonomic neuropathy type III. Last evaluated: 2020-03-17. Review status: no assertion criteria provided. Collection method: clinical testing. Allele origin: germline. Not counted in ClinVar's aggregate classification.

NM_003640.5(ELP1):c.3454G>A (p.Gly1152Ser)

Gene: ELP1 (elongator acetyltransferase complex subunit 1; minus strand). Cytogenetic location: 9q31.3.
Variant type: single nucleotide variant.
Coding change: c.3454G>A on transcript NM_003640.5 (MANE Select); coding-DNA position 3454, G replaced by A.
Protein change: p.Gly1152Ser; replaces glycine 1152 with serine.
Molecular consequence: missense variant.
Genome position (GRCh38, 1-based): chr9:108,880,058, C>T on the plus strand (G>A on the coding strand, the complement: ELP1 is on the minus strand). VCF-style: chr9-108880058-C-T. GRCh37 (hg19) VCF-style: chr9-111642338-C-T.
Other names: c.3454G>A (LRG_251t1); c.3112G>A, p.Gly1038Ser (NM_001318360.2); c.2407G>A, p.Gly803Ser (NM_001330749.2); short protein forms G1152S, G803S, G1038S.
Identifiers: ClinVar variation 648116 (VCV000648116.6), dbSNP rs771838754, ClinGen allele CA5174310.